The following is an entry in ClinVar:

NM_007294.4(BRCA1):c.72T>G (p.Cys24Trp)

Gene: BRCA1 (BRCA1 DNA repair associated; minus strand). Cytogenetic location: 17q21.31.
Variant type: single nucleotide variant.
Coding change: c.72T>G on transcript NM_007294.4 (MANE Select); coding-DNA position 72, T replaced by G.
Protein change: p.Cys24Trp; replaces cysteine 24 with tryptophan.
Molecular consequence: missense variant. On other transcripts: 5 prime UTR variant (1), non-coding transcript variant (1).
Genome position (GRCh38, 1-based): chr17:43,124,025, A>C on the plus strand (T>G on the coding strand, the complement: BRCA1 is on the minus strand). VCF-style: chr17-43124025-A-C. GRCh37 (hg19) VCF-style: chr17-41276042-A-C.
Other names: c.-117T>G (NM_001407571.1, NM_001407853.1, NM_001407879.1 and 46 more transcripts); c.72T>G, p.Cys24Trp (NM_001407581.1, NM_001407582.1, NM_001407583.1 and 193 more transcripts); c.-186T>G (NM_001407694.1, NM_001407724.1, NM_001407727.1 and 11 more transcripts); c.-190T>G (NM_001407695.1, NM_001408465.1); c.-331T>G (NM_001407696.1); c.-215T>G (NM_001407697.1, NM_001407846.1, NM_001407920.1); c.-16T>G (NM_001407698.1, NM_001407732.1, NM_001407736.1 and 23 more transcripts); c.-189T>G (NM_001407725.1, NM_001407730.1, NM_001407734.1 and 22 more transcripts); and 8 more; short protein forms C24W.
Identifiers: ClinVar variation 652430 (VCV000652430.12), dbSNP rs1597923232, ClinGen allele CA10602012.
Genomic context (GRCh38, chr17:43,124,025, plus strand): 5'-ATAGGAGATAATCATAGGAATCCCAAATTAATACACTCTTGTGCTGACTTACCAGATGGG[A>C]CACTCTAAGATTTTCTGCATAGCATTAATGACATTTTGTACTTCTTCAACGCGAAGAGCA-3'
Protein context (NP_009225.1, residues 14-34): VINAMQKILE[Cys24Trp]PICLELIKEP

ClinVar aggregate classification (germline): Pathogenic (1 of 4 stars; one submission).

Conditions:
Hereditary breast ovarian cancer syndrome. Also called: Hereditary breast and ovarian cancer syndrome (HBOC); Hereditary breast and ovarian cancer; BRCA1- and BRCA2-Associated Hereditary Breast and Ovarian Cancer; Breast and ovarian cancer; Hereditary breast and ovarian cancer syndrome; Hereditary breast and/or ovarian cancer syndrome. Identifiers: Orphanet 145, MedGen C0677776, MeSH D061325, MONDO:0003582. Disease mechanism: loss of function.

Submissions (2):

Labcorp Genetics (formerly Invitae), Labcorp
Classification: Pathogenic for Hereditary breast ovarian cancer syndrome. Last evaluated: 2022-08-09. Review status: criteria provided, single submitter. Criteria: Invitae Variant Classification Sherloc (09022015). Collection method: clinical testing. Allele origin: germline.
Comment: This sequence change replaces cysteine, which is neutral and slightly polar, with tryptophan, which is neutral and slightly polar, at codon 24 of the BRCA1 protein (p.Cys24Trp). Experimental studies have shown that this missense change affects BRCA1 function (PMID: 25823446, 30209399). Advanced modeling of experimental studies (such as gene expression, population dynamics, functional pathways, and cell-cycle effects in cell culture) performed at Invitae indicates that this missense variant is expected to disrupt BRCA1 protein function. ClinVar contains an entry for this variant (Variation ID: 652430). This variant has not been reported in the literature in individuals affected with BRCA1-related conditions. This variant is not present in population databases (gnomAD no frequency). For these reasons, this variant has been classified as Pathogenic. This variant disrupts the p.Cys24 amino acid residue in BRCA1. Other variant(s) that disrupt this residue have been determined to be pathogenic (PMID: 18489799, 21725363, 23161852, 24249303, 25823446, 29176636, 30209399). This suggests that this residue is clinically significant, and that variants that disrupt this residue are likely to be disease-causing.

Brotman Baty Institute, University of Washington
No classification provided (evidence only). Condition: Breast-ovarian cancer, familial 1. Review status: no classification provided. Collection method: in vitro. Allele origin: not applicable. Functional consequence: functionally_abnormal. Not counted in ClinVar's aggregate classification.
ClinVar note: "not provided" was previously submitted as the classification for the variant. However, the classification appeared to be based only on an observation of functional data so it was converted to no classification on 2025-07-30.

Literature cited by the submitters: PubMed 25823446 (cited by Labcorp Genetics (formerly Invitae), Labcorp); PubMed 30209399 (cited by Labcorp Genetics (formerly Invitae), Labcorp); PubMed 18489799 (cited by Labcorp Genetics (formerly Invitae), Labcorp); PubMed 21725363 (cited by Labcorp Genetics (formerly Invitae), Labcorp); PubMed 23161852 (cited by Labcorp Genetics (formerly Invitae), Labcorp); PubMed 24249303 (cited by Labcorp Genetics (formerly Invitae), Labcorp); PubMed 29176636 (cited by Labcorp Genetics (formerly Invitae), Labcorp).